The following is an entry in ClinVar:

ClinVar aggregate classification (germline): Pathogenic (1 of 4 stars; one submission).

Conditions:
Inborn genetic diseases. Identifiers: MedGen C0950123, MeSH D030342.

Submission:

Ambry Genetics
Classification: Pathogenic for Inborn genetic diseases. Last evaluated: 2026-04-01. Review status: criteria provided, single submitter. Criteria: Ambry Variant Classification Scheme 2023. Collection method: clinical testing. Allele origin: germline.
Comment: The c.830dupT pathogenic mutation, located in coding exon 5 of the ETV6 gene, results from a duplication of T at nucleotide position 830, causing a translational frameshift with a predicted alternate stop codon (p.I278Dfs*22). This variant is considered to be rare based on population cohorts in the Genome Aggregation Database (gnomAD). This alteration is expected to result in loss of function by premature protein truncation or nonsense-mediated mRNA decay. As such, this alteration is interpreted as a disease-causing mutation.

NM_001987.5(ETV6):c.830dup (p.Ile278fs)

Gene: ETV6 (ETS variant transcription factor 6; plus strand). Cytogenetic location: 12p13.2.
Variant type: Duplication.
Coding change: c.830dup on transcript NM_001987.5 (MANE Select); coding-DNA position 830, one base duplicated (T; older notation c.830dupT).
Protein change: p.Ile278fs; shifts the reading frame from isoleucine 278.
Molecular consequence: frameshift variant.
Genome position (GRCh38, 1-based): chr12:11,869,790, T duplicated. VCF-style (leftmost placement, unchanged base first): chr12-11869789-C-CT. GRCh37 (hg19) VCF-style: chr12-12022723-C-CT.
Other names: c.803dup, p.Ile269fs (NM_001413914.1); c.566dup, p.Ile190fs (NM_001413915.1); c.830dup, p.Ile278fs (NM_001413916.1, NM_001413917.1); c.830dupT (NM_001987.4); c.827dup, p.Ile277fs (NM_001413913.1); short protein forms I190fs, I269fs, I277fs, I278fs.
Identifiers: ClinVar variation 4870651 (VCV004870651.1).